The following is an entry in ClinVar:

ClinVar aggregate classification (germline): Conflicting classifications of pathogenicity. Review status: criteria provided, conflicting classifications (1 of 4 stars). 12 submissions from 12 submitters: Uncertain significance (9); Likely benign (2). 1 of the submissions does not count toward it. Last evaluated 2026-09-21.

Conditions:
BRCA2-related disorder. Also called: BRCA2-related condition; BRCA2-related disorders. Identifiers: MedGen CN239275.
BRCA2-related cancer predisposition. Identifiers: MedGen CN377758, MONDO:0700269.
Hereditary cancer-predisposing syndrome. Also called: Tumor predisposition; Neoplastic Syndromes, Hereditary; Hereditary neoplastic syndrome; Hereditary Cancer Syndrome. Identifiers: Orphanet 140162, MedGen C0027672, MeSH D009386, MONDO:0015356.
Hereditary breast ovarian cancer syndrome. Also called: Hereditary breast and ovarian cancer syndrome; Hereditary breast and ovarian cancer; Hereditary breast and ovarian cancer syndrome (HBOC); Hereditary breast and/or ovarian cancer syndrome; BRCA1- and BRCA2-Associated Hereditary Breast and Ovarian Cancer; Breast and ovarian cancer. Identifiers: Orphanet 145, MedGen C0677776, MeSH D061325, MONDO:0003582. Disease mechanism: loss of function.
Breast-ovarian cancer, familial, susceptibility to, 2 (BROVCA2). Also called: BRCA2 Hereditary Breast and Ovarian Cancer. Identifiers: Orphanet 145, MedGen C2675520, MONDO:0012933, OMIM 612555. Disease mechanism: loss of function.

Allele frequency attached by ClinVar (database versions not stated): ExAC 0.00001; gnomAD 0.00001; gnomAD exomes 0.00001; TOPMed 0.00002.
gnomAD v4.1: 18 of 1,613,354 alleles (0.0011%); highest among the groups gnomAD compares: Admixed American, 0.0084%; no homozygotes.

Submissions 1 to 7 of 12:

PreventionGenetics, part of Exact Sciences
Classification: Uncertain significance for BRCA2-related condition. Last evaluated: 2026-09-21. Review status: criteria provided, single submitter. Criteria: ACMG Guidelines, 2015. Collection method: clinical testing. Allele origin: germline.
Comment: The BRCA2 c.8902A>G variant is predicted to result in the amino acid substitution p.Thr2968Ala. This variant has been reported in patients with breast, ovarian, and prostate cancer, although pathogenicity was not established (Table A2, Tung. 2016. PubMed ID: 26976419; Table S2, Paulo. 2018. PubMed ID: 29659569; Peixoto. 2020. PubMed ID: 32850417). Experimental studies showed this variant did not impact BRCA2 function (Supp. Table 6, Sahu et al. 2025. PubMed ID: 39779848). This variant is reported in 0.0057% of alleles in individuals of Latino descent in gnomAD and has conflicting interpretations regarding its pathogenicity in ClinVar, ranging from likely benign to uncertain (Variation ID: 141798). At this time, the clinical significance of this variant is uncertain due to the absence of conclusive functional and genetic evidence.

Labcorp Genetics (formerly Invitae), Labcorp
Classification: Uncertain significance for Hereditary breast ovarian cancer syndrome. Last evaluated: 2025-11-30. Review status: criteria provided, single submitter. Criteria: Invitae Variant Classification Sherloc (09022015). Collection method: clinical testing. Allele origin: germline.
Comment: This sequence change replaces threonine, which is neutral and polar, with alanine, which is neutral and non-polar, at codon 2968 of the BRCA2 protein (p.Thr2968Ala). This variant is present in population databases (rs587782021, gnomAD 0.006%). This missense change has been observed in individual(s) with BRCA2-related conditions (PMID: 26976419, 32850417, 35534704). ClinVar contains an entry for this variant (Variation ID: 141798). Invitae Evidence Modeling of protein sequence and biophysical properties (such as structural, functional, and spatial information, amino acid conservation, physicochemical variation, residue mobility, and thermodynamic stability) indicates that this missense variant is not expected to disrupt BRCA2 protein function with a negative predictive value of 95%. In summary, the available evidence is currently insufficient to determine the role of this variant in disease. Therefore, it has been classified as a Variant of Uncertain Significance.

Color Diagnostics, LLC DBA Color Health
Classification: Uncertain significance for Hereditary cancer-predisposing syndrome. Last evaluated: 2025-09-10. Review status: criteria provided, single submitter. Criteria: ACMG Guidelines, 2015. Collection method: clinical testing. Allele origin: germline.
Comment: This missense variant replaces threonine with alanine at codon 2968 of the BRCA2 protein. Computational prediction suggests that this variant may not impact protein structure and function. A functional study reported that this variant does not impact BRCA2 in sensitivity assays to cisplatin and PARP inhibitor (PMID: 39779848). This variant has been reported in at least one individual each affected with breast, ovarian, or prostate cancer (PMID: 26976419, 29659569, 32850417Color internal data). This variant also has been detected in a breast cancer case-control meta-analysis in 1/60466 cases and 2/53461 unaffected individuals (PMID: 33471991Leiden Open Variation Database DB-ID BRCA2_001114). A multifactorial analysis has reached a combined likelihood ratio (LR) of 1.854 based on reported LR for co-occurrence with a pathogenic variant and/or segregation and personal and family history for 5 carriers (PMID: 31853058). This variant has been identified in 3/281158 chromosomes in the general population by the Genome Aggregation Database (gnomAD). The available evidence is insufficient to determine the role of this variant in disease conclusively. Therefore, this variant is classified as a Variant of Uncertain Significance.

Quest Diagnostics Nichols Institute San Juan Capistrano
Classification: Uncertain significance. Last evaluated: 2025-08-11. Review status: criteria provided, single submitter. Criteria: Quest Diagnostics criteria. Collection method: clinical testing. Allele origin: unknown.
Comment: The BRCA2 c.8902A>G (p.Thr2968Ala) variant has been reported in individuals with breast cancer (PMID: 26976419 (2016), 38874686 (2024), 33471991 (2021))), prostate cancer (PMID: 29659569 (2018)), and ovarian cancer (PMID: 32850417 (2020)). This variant has also been identified in reportedly unaffected individuals (PMID: 33471991 (2021))). The frequency of this variant in the general population, 0.000011 (3/281158 chromosomes), is uninformative in assessment of its pathogenicity. Analysis of this variant using bioinformatics tools for the prediction of the effect of amino acid changes on protein structure and function yielded predictions that this variant is benign. Based on the available information, we are unable to determine the clinical significance of this variant.

Mendelics
Classification: Likely benign for Breast-ovarian cancer, familial, susceptibility to, 2. Last evaluated: 2025-06-23. Review status: criteria provided, single submitter. Criteria: ACMG Guidelines, 2015. Collection method: clinical testing. Allele origin: unknown.
Comment: This variant is considered likely benign or benign based on one or more of the following: it is predicted to be benign by multiple in silico algorithms, and/or has population frequency not consistent with disease, and/or has normal protein function, and/or has lack of segregation with disease, and/or has been detected in co-occurrence with known pathogenic variant, and/or has lack of disease association in case-control studies, and/or is located in a region inconsistent with a known cause of pathogenicity.

Ambry Genetics
Classification: Likely benign for Hereditary cancer-predisposing syndrome. Last evaluated: 2024-10-10. Review status: criteria provided, single submitter. Criteria: Ambry Variant Classification Scheme 2023. Collection method: clinical testing. Allele origin: germline.

All of Us Research Program, National Institutes of Health
Classification: Uncertain significance for BRCA2-related cancer predisposition. Last evaluated: 2024-09-23. Review status: criteria provided, single submitter. Criteria: ACMG Guidelines, 2015. Collection method: clinical testing. Allele origin: germline. Inheritance: Autosomal dominant inheritance. Observed: 3 variant alleles, 3 heterozygotes.
Comment: This missense variant replaces threonine with alanine at codon 2968 of the BRCA2 protein. Computational prediction suggests that this variant may not impact protein structure and function (internally defined REVEL score threshold <= 0.5, PMID: 27666373). To our knowledge, functional studies have not been reported for this variant. This variant has been reported in at least one individual each affected with breast, ovarian, or prostate cancer (PMID: 26976419, 29659569, 32850417; Color internal data). This variant also has been detected in a breast cancer case-control meta-analysis in 1/60466 cases and 2/53461 unaffected individuals (PMID: 33471991; Leiden Open Variation Database DB-ID BRCA2_001114). This variant has been identified in 3/281158 chromosomes in the general population by the Genome Aggregation Database (gnomAD). The available evidence is insufficient to determine the role of this variant in disease conclusively. Therefore, this variant is classified as a Variant of Uncertain Significance.

This study involves interpretation of variants in research participants for the purpose of population health screening. Participant phenotype was not available at the time of variant classification. Additional details can be found in publication PMID: 35346344, PMCID: PMC8962531

NM_000059.4(BRCA2):c.8902A>G (p.Thr2968Ala)

Gene: BRCA2 (BRCA2 DNA repair associated; plus strand). Cytogenetic location: 13q13.1.
Variant type: single nucleotide variant.
Coding change: c.8902A>G on transcript NM_000059.4 (MANE Select); coding-DNA position 8902, A replaced by G.
Protein change: p.Thr2968Ala; replaces threonine 2968 with alanine.
Molecular consequence: missense variant.
Genome position (GRCh38, 1-based): chr13:32,379,464, A>G. VCF-style: chr13-32379464-A-G. GRCh37 (hg19) VCF-style: chr13-32953601-A-G.
Other names: p.T2968A:ACC>GCC; short protein forms T2968A.
Identifiers: ClinVar variation 141798 (VCV000141798.45), dbSNP rs587782021, ClinGen allele CA025864.
Genomic context (GRCh38, chr13:32,379,464, plus strand): 5'-ATTAGGAAGGCCATGGAATCTGCTGAACAAAAGGAACAAGGTTTATCAAGGGATGTCACA[A>G]CCGTGTGGAAGTTGCGTATTGTAAGCTATTCAAAAAAAGAAAAAGATTCAGGTAAGTATG-3'
Protein context (NP_000050.3, residues 2958-2978): KEQGLSRDVT[Thr2968Ala]VWKLRIVSYS